The following is an entry in ClinVar:

NM_170682.4(P2RX2):c.710C>G (p.Pro237Arg)

Gene: P2RX2 (purinergic receptor P2X 2; plus strand). Cytogenetic location: 12q24.33.
Variant type: single nucleotide variant.
Coding change: c.710C>G on transcript NM_170682.4 (MANE Select); coding-DNA position 710, C replaced by G.
Protein change: p.Pro237Arg; replaces proline 237 with arginine.
Molecular consequence: missense variant. On other transcripts: synonymous variant (1).
Genome position (GRCh38, 1-based): chr12:132,620,519, C>G. VCF-style: chr12-132620519-C-G. GRCh37 (hg19) VCF-style: chr12-133197105-C-G.
Other names: c.710C>G, p.Pro237Arg (NM_170683.4, NM_174873.3, NM_001282165.2); c.434C>G, p.Pro145Arg (NM_174872.3); c.603C>G, p.Pro201= (NM_001282164.2); c.494C>G, p.Pro165Arg (NM_012226.5); c.638C>G, p.Pro213Arg (NM_016318.4); short protein forms P145R, P237R, P165R, P213R.
Identifiers: ClinVar variation 2740805 (VCV002740805.3), dbSNP rs2138375183, ClinGen allele CA387360195.

ClinVar aggregate classification (germline): Uncertain significance (1 of 4 stars; one submission).

Submission:

Labcorp Genetics (formerly Invitae), Labcorp
Classification: Uncertain significance. Last evaluated: 2023-09-01. Review status: criteria provided, single submitter. Criteria: Invitae Variant Classification Sherloc (09022015). Collection method: clinical testing. Allele origin: germline.
Comment: Advanced modeling of protein sequence and biophysical properties (such as structural, functional, and spatial information, amino acid conservation, physicochemical variation, residue mobility, and thermodynamic stability) performed at Invitae indicates that this missense variant is expected to disrupt P2RX2 protein function. This sequence change replaces proline, which is neutral and non-polar, with arginine, which is basic and polar, at codon 237 of the P2RX2 protein (p.Pro237Arg). This variant is not present in population databases (gnomAD no frequency). This variant has not been reported in the literature in individuals affected with P2RX2-related conditions. In summary, the available evidence is currently insufficient to determine the role of this variant in disease. Therefore, it has been classified as a Variant of Uncertain Significance.